The following is an entry in ClinVar:

ClinVar aggregate classification (germline): Likely benign. Review status: criteria provided, multiple submitters, no conflicts (2 of 4 stars). 3 submissions from 3 submitters: Likely benign (3). Last evaluated 2026-05-14.

Conditions:
CNNM2-related disorder. Also called: CNNM2-related condition.

Submissions (3):

Revvity Omics, Revvity
Classification: Likely benign. Last evaluated: 2026-05-14. Review status: criteria provided, single submitter. Criteria: ACMG Guidelines, 2015. Collection method: clinical testing. Allele origin: germline.

Labcorp Genetics (formerly Invitae), Labcorp
Classification: Likely benign. Last evaluated: 2025-09-03. Review status: criteria provided, single submitter. Criteria: Invitae Variant Classification Sherloc (09022015). Collection method: clinical testing. Allele origin: germline.

PreventionGenetics, part of Exact Sciences
Classification: Likely benign for CNNM2-related condition. Last evaluated: 2025-06-20. Review status: criteria provided, single submitter. Criteria: ACMG Guidelines, 2015. Collection method: clinical testing. Allele origin: germline.
Comment: This variant is classified as likely benign based on ACMG/AMP sequence variant interpretation guidelines (Richards et al. 2015 PMID: 25741868, with internal and published modifications).

NM_017649.5(CNNM2):c.837C>G (p.Leu279=)

Gene: CNNM2 (cyclin and CBS domain divalent metal cation transport mediator 2; plus strand). Cytogenetic location: 10q24.32.
Variant type: single nucleotide variant.
Coding change: c.837C>G on transcript NM_017649.5 (MANE Select); coding-DNA position 837, C replaced by G.
Protein change: p.Leu279=; no amino-acid change (leucine 279 retained).
Molecular consequence: synonymous variant.
Genome position (GRCh38, 1-based): chr10:102,919,317, C>G. VCF-style: chr10-102919317-C-G. GRCh37 (hg19) VCF-style: chr10-104679074-C-G.
Other names: c.837C>G, p.Leu279= (NM_199076.3, NM_199077.3); c.837C>G (NM_017649.4).
Identifiers: ClinVar variation 4748937 (VCV004748937.3).